The following is an entry in ClinVar:

ClinVar aggregate classification (germline): Likely pathogenic (1 of 4 stars; one submission).

Submission:

Labcorp Genetics (formerly Invitae), Labcorp
Classification: Likely pathogenic. Last evaluated: 2023-06-24. Review status: criteria provided, single submitter. Criteria: Invitae Variant Classification Sherloc (09022015). Collection method: clinical testing. Allele origin: germline.
Comment: Algorithms developed to predict the effect of sequence changes on RNA splicing suggest that this variant may disrupt the consensus splice site. This variant has not been reported in the literature in individuals affected with POLE-related conditions. This variant is not present in population databases (gnomAD no frequency). This sequence change affects a donor splice site in intron 31 of the POLE gene. It is expected to disrupt RNA splicing. Variants that disrupt the donor or acceptor splice site typically lead to a loss of protein function (PMID: 16199547), and loss-of-function variants in POLE are known to be pathogenic (PMID: 23230001, 25948378, 30503519). In summary, the currently available evidence indicates that the variant is pathogenic, but additional data are needed to prove that conclusively. Therefore, this variant has been classified as Likely Pathogenic.

Literature cited by the submitters: PubMed 16199547; PubMed 23230001; PubMed 25948378; PubMed 30503519.

NM_006231.4(POLE):c.4005+1G>C

Gene: POLE (DNA polymerase epsilon, catalytic subunit; minus strand). Cytogenetic location: 12q24.33.
Variant type: single nucleotide variant.
Coding change: c.4005+1G>C on transcript NM_006231.4 (MANE Select); the canonical splice donor site of the intron after coding-DNA position 4005, G replaced by C.
Molecular consequence: splice donor variant.
Genome position (GRCh38, 1-based): chr12:132,649,305, C>G on the plus strand (G>C on the coding strand, the complement: POLE is on the minus strand). VCF-style: chr12-132649305-C-G. GRCh37 (hg19) VCF-style: chr12-133225891-C-G.
Identifiers: ClinVar variation 2788436 (VCV002788436.3), dbSNP rs1210405923, ClinGen allele CA387384585.